The following is an entry in ClinVar:

ClinVar aggregate classification (germline): Uncertain significance (1 of 4 stars; one submission).

Conditions:
Epilepsy. Also called: Seizure disorder. Identifiers: MedGen C0014544, MeSH D004827, MONDO:0005027.

Allele frequency attached by ClinVar (database versions not stated): gnomAD exomes below 0.00001.
gnomAD v4.1: 1 of 1,612,204 alleles (0.000062%); highest among the groups gnomAD compares: Non-Finnish European, 0.000085%; no homozygotes.

Submission:

Labcorp Genetics (formerly Invitae), Labcorp
Classification: Uncertain significance for Epilepsy. Last evaluated: 2024-10-24. Review status: criteria provided, single submitter. Criteria: Invitae Variant Classification Sherloc (09022015). Collection method: clinical testing. Allele origin: germline.
Comment: This sequence change replaces aspartic acid, which is acidic and polar, with asparagine, which is neutral and polar, at codon 442 of the PIGQ protein (p.Asp442Asn). This variant is not present in population databases (gnomAD no frequency). This variant has not been reported in the literature in individuals affected with PIGQ-related conditions. ClinVar contains an entry for this variant (Variation ID: 2121417). An algorithm developed to predict the effect of missense changes on protein structure and function (PolyPhen-2) suggests that this variant is likely to be tolerated. In summary, the available evidence is currently insufficient to determine the role of this variant in disease. Therefore, it has been classified as a Variant of Uncertain Significance.

NM_004204.5(PIGQ):c.1324G>A (p.Asp442Asn)

Gene: PIGQ (phosphatidylinositol glycan anchor biosynthesis class Q; plus strand). Cytogenetic location: 16p13.3.
Variant type: single nucleotide variant.
Coding change: c.1324G>A on transcript NM_004204.5 (MANE Select); coding-DNA position 1324, G replaced by A.
Protein change: p.Asp442Asn; replaces aspartic acid 442 with asparagine.
Molecular consequence: missense variant.
Genome position (GRCh38, 1-based): chr16:579,169, G>A. VCF-style: chr16-579169-G-A. GRCh37 (hg19) VCF-style: chr16-629169-G-A.
Other names: c.1324G>A, p.Asp442Asn (NM_148920.4); short protein forms D442N.
Identifiers: ClinVar variation 2121417 (VCV002121417.4), dbSNP rs2505937490, ClinGen allele CA394057878.
Genomic context (GRCh38, chr16:579,169, plus strand): 5'-CGTCTGTTCCGGGGGAAGAAGTGGAACGTTCTGCGCCAGCGCGTGGACTCCTGTTCCTAT[G>A]ACCTGGACCAGGTATGGGGCAGGGTTCGTGGCTGGAGGGGCTGACTGCCTCCGGCCTGTG-3'
Protein context (NP_004195.2, residues 432-452): LRQRVDSCSY[Asp442Asn]LDQLFIGTLL